The following is an entry in ClinVar:

NM_022455.5(NSD1):c.5471A>T (p.Asp1824Val)

Genes: NSD1 (nuclear receptor binding SET domain protein 1; plus strand), LOC126807619 (MED14-independent group 3 enhancer GRCh37_chr5:176696443-176697642; plus strand). Cytogenetic location: 5q35.3.
Variant type: single nucleotide variant.
Coding change: c.5471A>T on transcript NM_022455.5 (MANE Select); coding-DNA position 5471, A replaced by T.
Protein change: p.Asp1824Val; replaces aspartic acid 1824 with valine.
Molecular consequence: missense variant.
Genome position (GRCh38, 1-based): chr5:177,269,769, A>T. VCF-style: chr5-177269769-A-T. GRCh37 (hg19) VCF-style: chr5-176696770-A-T.
Other names: c.4598A>T, p.Asp1533Val (NM_001365684.2, NM_001409308.1, NM_001409309.1 and 1 more transcripts); c.5471A>T, p.Asp1824Val (NM_001409301.1, NM_001409302.1, NM_001409303.1); c.5051A>T, p.Asp1684Val (NM_001409304.1); c.4718A>T, p.Asp1573Val (NM_001409305.1); c.4709A>T, p.Asp1570Val (NM_001409306.1, NM_001409307.1); short protein forms D1533V, D1824V, D1684V, D1573V, D1570V.
Identifiers: ClinVar variation 4746251 (VCV004746251.1).
Genomic context (GRCh38, chr5:177,269,769, plus strand): 5'-ATTTGTGGACTCACCAGGCCCGAGTCTTCCCTTACATGGAGGGTGACGTGAGCAGCAAGG[A>T]TAAGATGGGCAAAGGAGTGGATGGGACATATAAAAAAGGTAACTTTATCCTTTTTGTTTC-3'
Protein context (NP_071900.2, residues 1814-1834): PYMEGDVSSK[Asp1824Val]KMGKGVDGTY

ClinVar aggregate classification (germline): Uncertain significance (1 of 4 stars; one submission).

Submission:

Labcorp Genetics (formerly Invitae), Labcorp
Classification: Uncertain significance. Last evaluated: 2025-12-20. Review status: criteria provided, single submitter. Criteria: Invitae Variant Classification Sherloc (09022015). Collection method: clinical testing. Allele origin: germline.
Comment: This sequence change replaces aspartic acid, which is acidic and polar, with valine, which is neutral and non-polar, at codon 1824 of the NSD1 protein (p.Asp1824Val). This variant is not present in population databases (gnomAD no frequency). This variant has not been reported in the literature in individuals affected with NSD1-related conditions. Invitae Evidence Modeling of protein sequence and biophysical properties (such as structural, functional, and spatial information, amino acid conservation, physicochemical variation, residue mobility, and thermodynamic stability) indicates that this missense variant is expected to disrupt NSD1 protein function with a positive predictive value of 95%. In summary, the available evidence is currently insufficient to determine the role of this variant in disease. Therefore, it has been classified as a Variant of Uncertain Significance.